The following is an entry in ClinVar:

ClinVar aggregate classification (germline): Pathogenic/Likely pathogenic. Review status: criteria provided, multiple submitters, no conflicts (2 of 4 stars). 2 submissions from 2 submitters: Pathogenic (1); Likely pathogenic (1). Last evaluated 2022-08-24.

Conditions:
Dyskeratosis congenita, autosomal recessive 5 (DKCB5). Identifiers: MedGen C3554656, MONDO:0014076, OMIM 615190.
Pulmonary fibrosis and/or bone marrow failure, Telomere-related, 3. Also called: PULMONARY FIBROSIS AND/OR BONE MARROW FAILURE SYNDROME, TELOMERE-RELATED, 3. Identifiers: Orphanet 2032, MedGen C4225346, MONDO:0014613, OMIM 616373.
RTEL1-related disorder. Also called: RTEL1-related condition; RTEL1-related disorders.

Submissions (2):

Labcorp Genetics (formerly Invitae), Labcorp
Classification: Pathogenic for Dyskeratosis congenita, autosomal recessive 5; Pulmonary fibrosis and/or bone marrow failure, Telomere-related, 3. Last evaluated: 2022-08-24. Review status: criteria provided, single submitter. Criteria: Invitae Variant Classification Sherloc (09022015). Collection method: clinical testing. Allele origin: germline.
Comment: This variant is not present in population databases (gnomAD no frequency). For these reasons, this variant has been classified as Pathogenic. This variant has not been reported in the literature in individuals affected with RTEL1-related conditions. This sequence change creates a premature translational stop signal (p.Gln374*) in the RTEL1 gene. It is expected to result in an absent or disrupted protein product. Loss-of-function variants in RTEL1 are known to be pathogenic (PMID: 23453664, 23959892, 25607374).

Blueprint Genetics
Classification: Likely pathogenic for RTEL1-related disorders. Last evaluated: 2021-11-25. Review status: criteria provided, single submitter. Criteria: ACMG Guidelines, 2015. Collection method: clinical testing. Allele origin: germline. Affected: yes. Observed: 1 variant allele.

Literature cited by the submitters: PubMed 23453664 (cited by Labcorp Genetics (formerly Invitae), Labcorp); PubMed 23959892 (cited by Labcorp Genetics (formerly Invitae), Labcorp); PubMed 25607374 (cited by Labcorp Genetics (formerly Invitae), Labcorp).

NM_001283009.2(RTEL1):c.1120C>T (p.Gln374Ter)

Genes: RTEL1 (regulator of telomere elongation helicase 1; plus strand), RTEL1-TNFRSF6B (RTEL1-TNFRSF6B readthrough (NMD candidate); plus strand). Cytogenetic location: 20q13.33.
Variant type: single nucleotide variant.
Coding change: c.1120C>T on transcript NM_001283009.2 (MANE Select); coding-DNA position 1120, C replaced by T.
Protein change: p.Gln374Ter; replaces glutamine 374 with a stop codon.
Molecular consequence: nonsense. On other transcripts: non-coding transcript variant (1).
Genome position (GRCh38, 1-based): chr20:63,679,931, C>T. VCF-style: chr20-63679931-C-T. GRCh37 (hg19) VCF-style: chr20-62311284-C-T.
Other names: c.451C>T, p.Gln151Ter (NM_001283010.1); c.1120C>T, p.Gln374Ter (NM_016434.4); c.1192C>T, p.Gln398Ter (NM_032957.5); short protein forms Q151*, Q398*, Q374*.
Identifiers: ClinVar variation 1989938 (VCV001989938.5), dbSNP rs2517068790, ClinGen allele CA409674028.